The following is an entry in ClinVar:

ClinVar aggregate classification (germline): Uncertain significance (1 of 4 stars; one submission).

Conditions:
Familial thoracic aortic aneurysm and aortic dissection (TAAD). Also called: Thoracic aortic aneurysms and dissections. Identifiers: Orphanet 91387, MedGen C4707243, MONDO:0019625.

gnomAD v4.1: 1 of 1,603,022 alleles (0.000062%); highest among the groups gnomAD compares: African/African-American, 0.0013%; no homozygotes.

Submission:

Color Diagnostics, LLC DBA Color Health
Classification: Uncertain significance for Familial thoracic aortic aneurysm and aortic dissection. Last evaluated: 2025-09-05. Review status: criteria provided, single submitter. Criteria: ACMG Guidelines, 2015. Collection method: clinical testing. Allele origin: germline.
Comment: This variant causes a T to A nucleotide substitution at the +6 position of intron 8 of the COL3A1 gene. To our knowledge, functional studies have not been reported for this variant. This variant has not been reported in individuals affected with COL3A1-related disorders in the literature. This variant has not been identified in the general population by the Genome Aggregation Database (gnomAD). The available evidence is insufficient to determine the role of this variant in disease conclusively. Therefore, this variant is classified as a Variant of Uncertain Significance.

NM_000090.4(COL3A1):c.690+6T>A

Gene: COL3A1 (collagen type III alpha 1 chain; plus strand). Cytogenetic location: 2q32.2.
Variant type: single nucleotide variant.
Coding change: c.690+6T>A on transcript NM_000090.4 (MANE Select); 6 bases into the intron after coding-DNA position 690, T replaced by A.
Molecular consequence: intron variant.
Genome position (GRCh38, 1-based): chr2:188,989,455, T>A. VCF-style: chr2-188989455-T-A. GRCh37 (hg19) VCF-style: chr2-189854181-T-A.
Identifiers: ClinVar variation 4756405 (VCV004756405.1).